The following is an entry in ClinVar:

NM_001267550.2(TTN):c.68792G>A (p.Ser22931Asn)

Genes: TTN-AS1 (TTN antisense RNA 1; plus strand), TTN (titin; minus strand). Cytogenetic location: 2q31.2.
Variant type: single nucleotide variant.
Coding change: c.68792G>A on transcript NM_001267550.2 (MANE Select); coding-DNA position 68792, G replaced by A.
Protein change: p.Ser22931Asn; replaces serine 22931 with asparagine.
Molecular consequence: missense variant.
Genome position (GRCh38, 1-based): chr2:178,577,634, C>T on the plus strand (G>A on the coding strand, the complement: TTN is on the minus strand). VCF-style: chr2-178577634-C-T. GRCh37 (hg19) VCF-style: chr2-179442361-C-T.
Other names: c.63869G>A, p.Ser21290Asn (NM_001256850.1); c.61088G>A, p.Ser20363Asn (NM_133378.4); c.41597G>A, p.Ser13866Asn (NM_003319.4); c.41972G>A, p.Ser13991Asn (NM_133432.3); c.42173G>A, p.Ser14058Asn (NM_133437.4); short protein forms S20363N, S22931N, S21290N, S14058N, S13866N, S13991N.
Identifiers: ClinVar variation 228133 (VCV000228133.36), dbSNP rs201567815, ClinGen allele CA1991046.

ClinVar aggregate classification (germline): Conflicting classifications of pathogenicity. Review status: criteria provided, conflicting classifications (1 of 4 stars). 11 submissions from 7 submitters: Uncertain significance (3); Benign (2); Likely benign (6). Last evaluated 2026-01-20.

Conditions:
TTN-related disorder. Also called: TTN-related disorders; TTN-related condition; TTN-related disease.
Dilated cardiomyopathy 1G (CMD1G). Identifiers: Orphanet 154, MedGen C1858763, MONDO:0011400, OMIM 604145.
Autosomal recessive limb-girdle muscular dystrophy type 2J (LGMDR10). Also called: Limb-girdle muscular dystrophy, type 2J; MUSCULAR DYSTROPHY, LIMB-GIRDLE, AUTOSOMAL RECESSIVE 10. Identifiers: Orphanet 140922, MedGen C1837342, MONDO:0012127, OMIM 608807.
Early-onset myopathy with fatal cardiomyopathy (CMYO5). Also called: CONGENITAL MYOPATHY 5 WITH CARDIOMYOPATHY; Salih Myopathy. Identifiers: Orphanet 289377, MedGen C2673677, MONDO:0012714, OMIM 611705. Disease mechanism: loss of function.
Myopathy, myofibrillar, 9, with early respiratory failure (MFM9). Also called: Myopathy, distal, with early respiratory failure, autosomal dominant; MYOPATHY, PROXIMAL, WITH EARLY RESPIRATORY MUSCLE INVOLVEMENT; Hereditary myopathy with early respiratory failure; EDSTROM MYOPATHY. Identifiers: Orphanet 178464, Orphanet 34521, MedGen C1863599, MONDO:0011362, OMIM 603689.
Tibial muscular dystrophy (TMD). Also called: Tibial muscular dystrophy, tardive; Udd Distal Myopathy – Tibial Muscular Dystrophy; UDD MYOPATHY. Identifiers: Orphanet 609, MedGen C1838244, MONDO:0010870, OMIM 600334.

Allele frequency attached by ClinVar (database versions not stated): TOPMed 0.00004; ESP Exome Variant Server 0.00008; gnomAD exomes 0.00033 and 0.00066; gnomAD 0.00051 and 0.00056; ExAC 0.00063.
gnomAD v4.1: 590 of 1,611,744 alleles (0.037%); highest among the groups gnomAD compares: East Asian, 0.17%; 1 homozygote.

Submissions (11):

Labcorp Genetics (formerly Invitae), Labcorp
Classification: Likely benign for Dilated cardiomyopathy 1G; Autosomal recessive limb-girdle muscular dystrophy type 2J. Last evaluated: 2026-01-20. Review status: criteria provided, single submitter. Criteria: Invitae Variant Classification Sherloc (09022015). Collection method: clinical testing. Allele origin: germline.

PreventionGenetics, part of Exact Sciences
Classification: Likely benign for TTN-related condition. Last evaluated: 2025-06-23. Review status: criteria provided, single submitter. Criteria: ACMG Guidelines, 2015. Collection method: clinical testing. Allele origin: germline.
Comment: This variant is classified as likely benign based on ACMG/AMP sequence variant interpretation guidelines (Richards et al. 2015 PMID: 25741868, with internal and published modifications).

Blueprint Genetics
Classification: Likely benign. Last evaluated: 2024-11-26. Review status: criteria provided, single submitter. Criteria: ACMG Guidelines, 2015. Collection method: clinical testing. Allele origin: germline.

ARUP Laboratories, Molecular Genetics and Genomics, ARUP Laboratories
Classification: Likely benign. Last evaluated: 2020-11-18. Review status: criteria provided, single submitter. Criteria: ARUP Molecular Germline Variant Investigation Process 2021. Collection method: clinical testing. Allele origin: germline.

GeneDx
Classification: Likely benign. Last evaluated: 2020-11-12. Review status: criteria provided, single submitter. Criteria: GeneDx Variant Classification Process June 2021. Collection method: clinical testing. Allele origin: germline. Affected: yes.

Illumina Laboratory Services, Illumina
Classification: Benign for Tibial muscular dystrophy. Last evaluated: 2018-01-13. Review status: criteria provided, single submitter. Criteria: ICSL Variant Classification Criteria 13 December 2019. Collection method: clinical testing. Allele origin: germline.
Comment: This variant was observed in the ICSL laboratory as part of a predisposition screen in an ostensibly healthy population. It had not been previously curated by ICSL or reported in the Human Gene Mutation Database (HGMD: prior to June 1st, 2018), and was therefore a candidate for classification through an automated scoring system. Utilizing variant allele frequency, disease prevalence and penetrance estimates, and inheritance mode, an automated score was calculated to assess if this variant is too frequent to cause the disease. Based on the score and internal cut-off values, a variant classified as benign is not then subjected to further curation. The score for this variant resulted in a classification of benign for this disease.

Illumina Laboratory Services, Illumina
Classification: Uncertain significance for Autosomal recessive limb-girdle muscular dystrophy type 2J. Last evaluated: 2018-01-13. Review status: criteria provided, single submitter. Criteria: ICSL Variant Classification Criteria 13 December 2019. Collection method: clinical testing. Allele origin: germline.

Illumina Laboratory Services, Illumina
Classification: Benign for Myopathy, myofibrillar, 9, with early respiratory failure. Last evaluated: 2018-01-13. Review status: criteria provided, single submitter. Criteria: ICSL Variant Classification Criteria 13 December 2019. Collection method: clinical testing. Allele origin: germline.
Comment: the same text as in the submission from Illumina Laboratory Services, Illumina above.

Illumina Laboratory Services, Illumina
Classification: Uncertain significance for Dilated cardiomyopathy 1G. Last evaluated: 2018-01-13. Review status: criteria provided, single submitter. Criteria: ICSL Variant Classification Criteria 13 December 2019. Collection method: clinical testing. Allele origin: germline.

Illumina Laboratory Services, Illumina
Classification: Uncertain significance for Early-onset myopathy with fatal cardiomyopathy. Last evaluated: 2018-01-13. Review status: criteria provided, single submitter. Criteria: ICSL Variant Classification Criteria 13 December 2019. Collection method: clinical testing. Allele origin: germline.

Laboratory for Molecular Medicine, Mass General Brigham Personalized Medicine
Classification: Likely benign. Last evaluated: 2015-05-20. Review status: criteria provided, single submitter. Criteria: LMM Criteria. Collection method: clinical testing. Allele origin: germline. Observed: 1 variant allele.
Comment: p.Ser20363Asn in exon 272 of TTN: This variant is not expected to have clinical significance because it has been identified in 0.4% (28/6534) of Finnish chromos omes by the Exome Aggregation Consortium (ExAC; dbSNP rs201567815).